The following is an entry in ClinVar:

ClinVar aggregate classification (germline): Benign (1 of 4 stars; one submission).

Allele frequency attached by ClinVar (database versions not stated): gnomAD 0.08054 and 0.08451; TOPMed 0.08101; 1000 Genomes Project 30x 0.08151; 1000 Genomes Project 0.08267.
gnomAD v4.1: 12,884 of 152,258 alleles (8.5%); highest among the groups gnomAD compares: South Asian, 18%; 727 homozygotes.

Submission:

GeneDx
Classification: Benign. Last evaluated: 2018-06-19. Review status: criteria provided, single submitter. Criteria: GeneDx Variant Classification (06012015). Collection method: clinical testing. Allele origin: germline. Affected: yes.
Comment: This variant is considered likely benign or benign based on one or more of the following criteria: it is a conservative change, it occurs at a poorly conserved position in the protein, it is predicted to be benign by multiple in silico algorithms, and/or has population frequency not consistent with disease.

NM_003850.3(SUCLA2):c.1108-214G>A

Gene: SUCLA2 (succinate-CoA ligase ADP-forming subunit beta; minus strand). Cytogenetic location: 13q14.2.
Variant type: single nucleotide variant.
Coding change: c.1108-214G>A on transcript NM_003850.3 (MANE Select); 214 bases into the intron before coding-DNA position 1108, G replaced by A.
Molecular consequence: intron variant.
Genome position (GRCh38, 1-based): chr13:47,949,817, C>T on the plus strand (G>A on the coding strand, the complement: SUCLA2 is on the minus strand). VCF-style: chr13-47949817-C-T. GRCh37 (hg19) VCF-style: chr13-48523952-C-T.
Identifiers: ClinVar variation 672630 (VCV000672630.1), dbSNP rs74347380, ClinGen allele CA13869893.